The following is an entry in ClinVar:

ClinVar aggregate classification (germline): Pathogenic (1 of 4 stars; one submission).

Conditions:
Chromosome 3q29 microdeletion syndrome. Also called: 3q29 microdeletion syndrome; 3q29 Deletion Syndrome; CHROMOSOME 3q29 DELETION SYNDROME; 3q29 Recurrent Microdeletion Syndrome. Identifiers: Orphanet 65286, MedGen C2674949, MONDO:0012269, OMIM 609425.

Submission:

New York Genome Center
Classification: Pathogenic for 3q29 Recurrent Deletion. Last evaluated: 2021-05-14. Review status: criteria provided, single submitter. Criteria: NYGC Assertion Criteria 2020. Collection method: clinical testing. Allele origin: de novo. Affected: yes. Observed: 1 variant allele. Study: CSER-NYCKidSeq.
Comment: The de novo deletion overlaps with 3q29 recurrent microdeletion region (includes DLG1), which has been curated by ClinGen to have “sufficient evidence to supportthe haploinsufficiency”. Genes responsible for 3q29 deletion syndrome have not been definitively defined yet however,DLG1, FBXO45, PAK2, and RNF168 have been implicated [PMIID:27656750] and are located within the 1.5Mb region deleted here. Based on the available evidence, the de novo heterozygous ~1.5Mb interstitial deletion identified here is reported as Pathogenic.

Single allele

Genes: CEP19 (centrosomal protein 19; minus strand), DLG1 (discs large MAGUK scaffold protein 1; minus strand), DLG1-AS1 (DLG1 antisense RNA 1; plus strand), DYNLT2B (dynein light chain Tctex-type 2B; minus strand), FBXO45 (F-box protein 45; plus strand) and 112 more. Cytogenetic location: 3q29.
Variant type: Deletion.
Identifiers: ClinVar variation 1679598 (VCV001679598.3).